The following is an entry in ClinVar:

ClinVar aggregate classification (germline): Conflicting classifications of pathogenicity. Review status: criteria provided, conflicting classifications (1 of 4 stars). 3 submissions from 3 submitters: Uncertain significance (1); Likely benign (1). 1 of the submissions does not count toward it. Last evaluated 2024-09-26.

Conditions:
Usher syndrome type 1B (USH1B). Also called: Usher syndrome type IB. Identifiers: MedGen C1848638, MONDO:0700087.

Allele frequency attached by ClinVar (database versions not stated): gnomAD exomes 0.00001; TOPMed 0.00003; ExAC 0.00004; gnomAD 0.00004; 1000 Genomes Project 0.00020; 1000 Genomes Project 30x 0.00031.

Submissions (3):

Blueprint Genetics
Classification: Likely benign. Last evaluated: 2024-09-26. Review status: criteria provided, single submitter. Criteria: ACMG Guidelines, 2015. Collection method: clinical testing. Allele origin: germline.

Labcorp Genetics (formerly Invitae), Labcorp
Classification: Uncertain significance. Last evaluated: 2024-08-13. Review status: criteria provided, single submitter. Criteria: Invitae Variant Classification Sherloc (09022015). Collection method: clinical testing. Allele origin: germline.
Comment: This sequence change falls in intron 2 of the MYO7A gene. It does not directly change the encoded amino acid sequence of the MYO7A protein. It affects a nucleotide within the consensus splice site. This variant is present in population databases (rs572658145, gnomAD 0.004%). This variant has not been reported in the literature in individuals affected with MYO7A-related conditions. ClinVar contains an entry for this variant (Variation ID: 964718). Variants that disrupt the consensus splice site are a relatively common cause of aberrant splicing (PMID: 17576681, 9536098). Algorithms developed to predict the effect of sequence changes on RNA splicing suggest that this variant is not likely to affect RNA splicing. In summary, the available evidence is currently insufficient to determine the role of this variant in disease. Therefore, it has been classified as a Variant of Uncertain Significance.

Natera, Inc.
Classification: Uncertain significance for Usher syndrome type 1B. Last evaluated: 2020-01-17. Review status: no assertion criteria provided. Collection method: clinical testing. Allele origin: germline. Not counted in ClinVar's aggregate classification.

Literature cited by the submitters: PubMed 17576681 (cited by Labcorp Genetics (formerly Invitae), Labcorp); PubMed 9536098 (cited by Labcorp Genetics (formerly Invitae), Labcorp).

NM_000260.4(MYO7A):c.19-3T>C

Gene: MYO7A (myosin VIIA; plus strand). Cytogenetic location: 11q13.5.
Variant type: single nucleotide variant.
Coding change: c.19-3T>C on transcript NM_000260.4 (MANE Select); 3 bases into the intron before coding-DNA position 19, T replaced by C.
Molecular consequence: intron variant.
Genome position (GRCh38, 1-based): chr11:77,142,706, T>C. VCF-style: chr11-77142706-T-C. GRCh37 (hg19) VCF-style: chr11-76853752-T-C.
Other names: c.-15-3T>C (NM_001369365.1); c.19-3T>C (NM_001127180.2).
Identifiers: ClinVar variation 964718 (VCV000964718.8), dbSNP rs572658145, ClinGen allele CA6197005.